The following is an entry in ClinVar:

NM_000222.3(KIT):c.2697-12C>T

Gene: KIT (KIT proto-oncogene, receptor tyrosine kinase; plus strand). Cytogenetic location: 4q12.
Variant type: single nucleotide variant.
Coding change: c.2697-12C>T on transcript NM_000222.3 (MANE Select); 12 bases into the intron before coding-DNA position 2697, C replaced by T.
Molecular consequence: intron variant.
Genome position (GRCh38, 1-based): chr4:54,737,163, C>T. VCF-style: chr4-54737163-C-T. GRCh37 (hg19) VCF-style: chr4-55603329-C-T.
Other names: c.2700-12C>T (NM_001385284.1); c.2697-12C>T (NM_001385290.1); c.2688-12C>T (NM_001385288.1); c.2685-12C>T (NM_001385292.1, NM_001093772.2); c.2694-12C>T (NM_001385285.1); c.2682-12C>T (NM_001385286.1).
Identifiers: ClinVar variation 2897066 (VCV002897066.4), dbSNP rs2475585275, ClinGen allele CA2739270098.

ClinVar aggregate classification (germline): Likely benign. Review status: criteria provided, multiple submitters, no conflicts (2 of 4 stars). 2 submissions from 2 submitters: Likely benign (2). Last evaluated 2026-06-02.

Conditions:
Gastrointestinal stromal tumor. Also called: Gastrointestinal stromal tumor, somatic; Gastrointestinal stroma tumor. Identifiers: Orphanet 44890, MedGen C0238198, MeSH D046152, MONDO:0011719, OMIM 606764, HP:0100723.

Submissions (2):

Myriad Genetics, Inc.
Classification: Likely benign for Gastrointestinal stromal tumor. Last evaluated: 2026-06-02. Review status: criteria provided, single submitter. Criteria: Myriad Autosomal Dominant, Autosomal Recessive and X-Linked Classification Criteria (2023). Collection method: clinical testing. Allele origin: unknown.
Comment: This variant is considered likely benign. This variant is intronic and is not expected to impact mRNA splicing.

Labcorp Genetics (formerly Invitae), Labcorp
Classification: Likely benign for Gastrointestinal stromal tumor. Last evaluated: 2023-03-04. Review status: criteria provided, single submitter. Criteria: Invitae Variant Classification Sherloc (09022015). Collection method: clinical testing. Allele origin: germline.